The following is an entry in ClinVar:

ClinVar aggregate classification (germline): Uncertain significance. Review status: criteria provided, multiple submitters, no conflicts (2 of 4 stars). 5 submissions from 5 submitters: Uncertain significance (5). Last evaluated 2026-05-26.

Conditions:
WFS1-related disorder. Identifiers: MedGen CN379391, MONDO:0700293.
Autosomal dominant nonsyndromic hearing loss 6 (LFSNHL). Also called: DEAFNESS, AUTOSOMAL DOMINANT 6; Autosomal dominant nonsyndromic deafness 6; DEAFNESS, AUTOSOMAL DOMINANT 14; DEAFNESS, AUTOSOMAL DOMINANT 38. Identifiers: Orphanet 90635, MedGen C1833021, MONDO:0010963, OMIM 600965.
Type 2 diabetes mellitus. Also called: Type II diabetes mellitus. Identifiers: MedGen C0011860, MeSH D003924, MONDO:0005148, OMIM 125853, HP:0005978.
Wolfram-like syndrome. Also called: HEARING LOSS, PROGRESSIVE, WITH OPTIC ATROPHY AND/OR IMPAIRED GLUCOSE REGULATION. Identifiers: Orphanet 411590, MedGen C3280358, MONDO:0013673, OMIM 614296.
Cataract 41 (CTRCT41). Also called: CATARACT 41, CONGENITAL NUCLEAR TYPE. Identifiers: Orphanet 91492, Orphanet 98991, Orphanet 98992, Orphanet 98995, MedGen C3805412, MONDO:0007287, OMIM 116400.
Wolfram syndrome 1 (WFS1). Identifiers: Orphanet 3463, MedGen C4551693, MONDO:0009101, OMIM 222300.

Allele frequency attached by ClinVar (database versions not stated): ExAC 0.00003; gnomAD 0.00003 and 0.00004; TOPMed 0.00004; gnomAD exomes 0.00005.
gnomAD v4.1: 194 of 1,612,572 alleles (0.012%); highest among the groups gnomAD compares: Non-Finnish European, 0.016%; no homozygotes.

Submissions (5):

PreventionGenetics, part of Exact Sciences
Classification: Uncertain significance for WFS1-related condition. Last evaluated: 2026-05-26. Review status: criteria provided, single submitter. Criteria: ACMG Guidelines, 2015. Collection method: clinical testing. Allele origin: germline.
Comment: The WFS1 c.2213C>A variant is predicted to result in the amino acid substitution p.Ala738Asp. This variant was reported in the compound heterozygous state with a loss-of-function variant in at least one individual with optic neuropathy or inherited retinal disorder (Table S2, Charif et al. 2021. PubMed ID: 33841295; Table S1, Majander et al. 2022. PubMed ID: 35469785). This variant is reported in 0.011% of alleles in individuals of European (Non-Finnish) descent in gnomAD. At this time, the clinical significance of this variant is uncertain due to the absence of conclusive functional and genetic evidence.

Labcorp Genetics (formerly Invitae), Labcorp
Classification: Uncertain significance. Last evaluated: 2025-09-15. Review status: criteria provided, single submitter. Criteria: Invitae Variant Classification Sherloc (09022015). Collection method: clinical testing. Allele origin: germline.
Comment: This sequence change replaces alanine, which is neutral and non-polar, with aspartic acid, which is acidic and polar, at codon 738 of the WFS1 protein (p.Ala738Asp). This variant is present in population databases (rs756962408, gnomAD 0.01%). This missense change has been observed in individual(s) with clinical features of WFS1-related conditions (PMID: 33841295, 35469785, 38219857, 39363032). ClinVar contains an entry for this variant (Variation ID: 1496608). Invitae Evidence Modeling of protein sequence and biophysical properties (such as structural, functional, and spatial information, amino acid conservation, physicochemical variation, residue mobility, and thermodynamic stability) indicates that this missense variant is not expected to disrupt WFS1 protein function with a negative predictive value of 95%. In summary, the available evidence is currently insufficient to determine the role of this variant in disease. Therefore, it has been classified as a Variant of Uncertain Significance.

Blueprint Genetics
Classification: Uncertain significance. Last evaluated: 2024-10-30. Review status: criteria provided, single submitter. Criteria: ACMG Guidelines, 2015. Collection method: clinical testing. Allele origin: germline.

Fulgent Genetics
Classification: Uncertain significance for Cataract 41; Type 2 diabetes mellitus; Wolfram syndrome 1; Autosomal dominant nonsyndromic hearing loss 6; Wolfram-like syndrome. Last evaluated: 2024-03-06. Review status: criteria provided, single submitter. Criteria: ACMG Guidelines, 2015. Collection method: clinical testing. Allele origin: germline.

GeneDx
Classification: Uncertain significance. Last evaluated: 2024-02-13. Review status: criteria provided, single submitter. Criteria: GeneDx Variant Classification Process June 2021. Collection method: clinical testing. Allele origin: germline. Affected: yes.
Comment: Observed with a pathogenic variant in patients with optic neuropathy in published literature, but it is not known whether the variants occurred on the same (in cis) or on different (in trans) chromosomes in all cases (PMID: 33841295, 35469785); In silico analysis supports that this missense variant does not alter protein structure/function; This variant is associated with the following publications: (PMID: 35452662, 33841295, 35469785)

Literature cited by the submitters: PubMed 33841295 (cited by Labcorp Genetics (formerly Invitae), Labcorp); PubMed 35469785 (cited by Labcorp Genetics (formerly Invitae), Labcorp); PubMed 38219857 (cited by Labcorp Genetics (formerly Invitae), Labcorp); PubMed 39363032 (cited by Labcorp Genetics (formerly Invitae), Labcorp).

NM_006005.3(WFS1):c.2213C>A (p.Ala738Asp)

Gene: WFS1 (wolframin ER transmembrane glycoprotein; plus strand). Cytogenetic location: 4p16.1.
Variant type: single nucleotide variant.
Coding change: c.2213C>A on transcript NM_006005.3 (MANE Select); coding-DNA position 2213, C replaced by A.
Protein change: p.Ala738Asp; replaces alanine 738 with aspartic acid.
Molecular consequence: missense variant.
Genome position (GRCh38, 1-based): chr4:6,302,008, C>A. VCF-style: chr4-6302008-C-A. GRCh37 (hg19) VCF-style: chr4-6303735-C-A.
Other names: c.2213C>A, p.Ala738Asp (NM_001145853.1); short protein forms A738D.
Identifiers: ClinVar variation 1496608 (VCV001496608.13), dbSNP rs756962408, ClinGen allele CA2839647.